The following is an entry in ClinVar:

NM_015340.4(LARS2):c.2585_2589dup (p.Asp864fs)

Gene: LARS2 (leucyl-tRNA synthetase 2, mitochondrial; plus strand). Cytogenetic location: 3p21.31.
Variant type: Duplication.
Coding change: c.2585_2589dup on transcript NM_015340.4 (MANE Select); coding-DNA positions 2585 to 2589, 5 bases duplicated (ACCAG; older notation c.2585_2589dupACCAG).
Protein change: p.Asp864fs; shifts the reading frame from aspartic acid 864.
Molecular consequence: frameshift variant.
Genome position (GRCh38, 1-based): chr3:45,547,403-45,547,407, ACCAG duplicated; duplicating any 5 consecutive bases within chr3:45,547,402-45,547,407 gives the same sequence; the c. name uses the placement nearest the transcript's 3' end. VCF-style (leftmost placement, unchanged base first): chr3-45547401-G-GGACCA. GRCh37 (hg19) VCF-style: chr3-45588893-G-GGACCA.
Other names: c.2585_2589dup, p.Asp864fs (NM_001368263.1); short protein forms D864fs.
Identifiers: ClinVar variation 3601190 (VCV003601190.1).

ClinVar aggregate classification (germline): Pathogenic (1 of 4 stars; one submission).

Conditions:
Perrault syndrome 4 (PRLTS4). Identifiers: Orphanet 2855, MedGen C3809105, MONDO:0014126, OMIM 615300.

Submission:

Institute of Rare Diseases, West China Hospital, Sichuan University
Classification: Pathogenic for Perrault syndrome 4. Last evaluated: 2025-01-09. Review status: criteria provided, single submitter. Criteria: ClinGen HL ACMG Specifications v1. Collection method: research. Allele origin: germline. Affected: yes.
Comment: PVS1;PM3;PM2_Supporting